The following is an entry in ClinVar:

ClinVar aggregate classification (germline): Uncertain significance (1 of 4 stars; one submission).

Conditions:
ROBO4-related disorder. Also called: ROBO4-related condition.

gnomAD v4.1: 7 of 1,614,070 alleles (0.00043%); highest among the groups gnomAD compares: Middle Eastern, 0.099%; no homozygotes.

Submission:

PreventionGenetics, part of Exact Sciences
Classification: Uncertain significance for ROBO4-related condition. Last evaluated: 2026-09-23. Review status: criteria provided, single submitter. Criteria: ACMG Guidelines, 2015. Collection method: clinical testing. Allele origin: germline.
Comment: The ROBO4 c.2624A>C variant is predicted to result in the amino acid substitution p.Asn875Thr. To our knowledge, this variant has not been reported in the literature. This variant is reported in 0.0027% of alleles in individuals of European (Non-Finnish) descent in gnomAD. At this time, the clinical significance of this variant is uncertain due to the absence of conclusive functional and genetic evidence.

NM_019055.6(ROBO4):c.2624A>C (p.Asn875Thr)

Gene: ROBO4 (roundabout guidance receptor 4; minus strand). Cytogenetic location: 11q24.2.
Variant type: single nucleotide variant.
Coding change: c.2624A>C on transcript NM_019055.6 (MANE Select); coding-DNA position 2624, A replaced by C.
Protein change: p.Asn875Thr; replaces asparagine 875 with threonine.
Molecular consequence: missense variant.
Genome position (GRCh38, 1-based): chr11:124,886,634, T>G on the plus strand (A>C on the coding strand, the complement: ROBO4 is on the minus strand). VCF-style: chr11-124886634-T-G. GRCh37 (hg19) VCF-style: chr11-124756530-T-G.
Other names: c.2189A>C, p.Asn730Thr (NM_001301088.2); c.2510A>C, p.Asn837Thr (NM_001441183.1); short protein forms N730T, N837T, N875T.
Identifiers: ClinVar variation 4994035 (VCV004994035.1).